The following is an entry in ClinVar:

NM_144670.6(A2ML1):c.908T>A (p.Leu303His)

Gene: A2ML1 (alpha-2-macroglobulin like 1; plus strand). Cytogenetic location: 12p13.31.
Variant type: single nucleotide variant.
Coding change: c.908T>A on transcript NM_144670.6 (MANE Select); coding-DNA position 908, T replaced by A.
Protein change: p.Leu303His; replaces leucine 303 with histidine.
Molecular consequence: missense variant.
Genome position (GRCh38, 1-based): chr12:8,838,388, T>A. VCF-style: chr12-8838388-T-A. GRCh37 (hg19) VCF-style: chr12-8990984-T-A.
Other names: short protein forms L303H.
Identifiers: ClinVar variation 4868535 (VCV004868535.1).

ClinVar aggregate classification (germline): Uncertain significance (1 of 4 stars; one submission).

Submission:

Ambry Genetics
Classification: Uncertain significance. Last evaluated: 2026-03-23. Review status: criteria provided, single submitter. Criteria: Ambry Variant Classification Scheme 2023. Collection method: clinical testing. Allele origin: germline.
Comment: The p.L303H variant (also known as c.908T>A), located in coding exon 9 of the A2ML1 gene, results from a T to A substitution at nucleotide position 908. The leucine at codon 303 is replaced by histidine, an amino acid with similar properties. This amino acid position is conserved. In addition, this alteration is predicted to be tolerated by in silico analysis. Based on the available evidence, the clinical significance of this variant remains unclear.